The following is an entry in ClinVar:

ClinVar aggregate classification (germline): Uncertain significance. Review status: criteria provided, multiple submitters, no conflicts (2 of 4 stars). 2 submissions from 2 submitters: Uncertain significance (2). Last evaluated 2025-11-21.

Conditions:
Inborn genetic diseases. Identifiers: MedGen C0950123, MeSH D030342.
Ulnar-mammary syndrome (UMS). Also called: SCHINZEL SYNDROME; PALLISTER ULNAR-MAMMARY SYNDROME; Ulnar-mammary syndrome of Pallister. Identifiers: Orphanet 3138, MedGen C1866994, MONDO:0008411, OMIM 181450.

Allele frequency attached by ClinVar (database versions not stated): ExAC 0.00001; gnomAD 0.00001; gnomAD exomes 0.00003.

Submissions (2):

Labcorp Genetics (formerly Invitae), Labcorp
Classification: Uncertain significance for Ulnar-mammary syndrome. Last evaluated: 2025-11-21. Review status: criteria provided, single submitter. Criteria: Invitae Variant Classification Sherloc (09022015). Collection method: clinical testing. Allele origin: germline.
Comment: This sequence change replaces threonine, which is neutral and polar, with proline, which is neutral and non-polar, at codon 193 of the TBX3 protein (p.Thr193Pro). This variant is present in population databases (rs777588715, gnomAD 0.0009%). This variant has not been reported in the literature in individuals affected with TBX3-related conditions. ClinVar contains an entry for this variant (Variation ID: 2530384). An algorithm developed to predict the effect of missense changes on protein structure and function (PolyPhen-2) suggests that this variant is likely to be disruptive. In summary, the available evidence is currently insufficient to determine the role of this variant in disease. Therefore, it has been classified as a Variant of Uncertain Significance.

Ambry Genetics
Classification: Uncertain significance for Inborn genetic diseases. Last evaluated: 2023-03-28. Review status: criteria provided, single submitter. Criteria: Ambry Variant Classification Scheme 2023. Collection method: clinical testing. Allele origin: germline.

NM_005996.4(TBX3):c.577A>C (p.Thr193Pro)

Gene: TBX3 (T-box transcription factor 3; minus strand). Cytogenetic location: 12q24.21.
Variant type: single nucleotide variant.
Coding change: c.577A>C on transcript NM_005996.4 (MANE Select); coding-DNA position 577, A replaced by C.
Protein change: p.Thr193Pro; replaces threonine 193 with proline.
Molecular consequence: missense variant.
Genome position (GRCh38, 1-based): chr12:114,680,959, T>G on the plus strand (A>C on the coding strand, the complement: TBX3 is on the minus strand). VCF-style: chr12-114680959-T-G. GRCh37 (hg19) VCF-style: chr12-115118764-T-G.
Other names: c.577A>C, p.Thr193Pro (NM_016569.4); short protein forms T193P.
Identifiers: ClinVar variation 2530384 (VCV002530384.3), dbSNP rs777588715, ClinGen allele CA6810171.